The following is an entry in ClinVar:

NM_001370259.2(MEN1):c.512G>A (p.Arg171Gln)

Gene: MEN1 (menin 1; minus strand). Cytogenetic location: 11q13.1.
Variant type: single nucleotide variant.
Coding change: c.512G>A on transcript NM_001370259.2 (MANE Select); coding-DNA position 512, G replaced by A.
Protein change: p.Arg171Gln; replaces arginine 171 with glutamine.
Molecular consequence: missense variant.
Genome position (GRCh38, 1-based): chr11:64,808,033, C>T on the plus strand (G>A on the coding strand, the complement: MEN1 is on the minus strand). VCF-style: chr11-64808033-C-T. GRCh37 (hg19) VCF-style: chr11-64575505-C-T.
Other names: XM_005274001.1:c.512G>A; XM_005274002.1:c.512G>A; XM_005274003.1:c.512G>A; XM_005274004.1:c.512G>A; c.527G>A, p.Arg176Gln (NM_130802.3, NM_130803.3, NM_130804.3 and 3 more transcripts); c.512G>A, p.Arg171Gln (NM_001370262.2, NM_001370263.2, NM_130799.3 and 3 more transcripts); short protein forms R171Q, R176Q.
Identifiers: ClinVar variation 41854 (VCV000041854.89), dbSNP rs607969, ClinGen allele CA009454.

ClinVar aggregate classification (germline): Conflicting classifications of pathogenicity. Review status: criteria provided, conflicting classifications (1 of 4 stars). 31 submissions from 30 submitters: Uncertain significance (1); Benign (17); Likely benign (5). 8 of the submissions do not count toward it. Last evaluated 2026-09-01.

Conditions:
Multiple endocrine neoplasia. Identifiers: Orphanet 276161, MedGen C0027662, MONDO:0017169.
Hyperparathyroidism. Identifiers: MedGen C0020502, MONDO:0001741, HP:0000843.
Hereditary cancer-predisposing syndrome. Also called: Neoplastic Syndromes, Hereditary; Tumor predisposition; Hereditary Cancer Syndrome; Hereditary neoplastic syndrome. Identifiers: Orphanet 140162, MedGen C0027672, MeSH D009386, MONDO:0015356.
Multiple endocrine neoplasia, type 1 (MEN1). Also called: MEN I; WERMER SYNDROME; Endocrine adenomatosis multiple; MEN 1; MEA I. Identifiers: Orphanet 652, MedGen C0025267, MeSH D018761, MONDO:0007540, OMIM 131100.

Allele frequency attached by ClinVar (database versions not stated): 1000 Genomes Project 0.00619; gnomAD 0.01266 and 0.01309; 1000 Genomes Project 30x 0.00625; gnomAD exomes 0.01202; TOPMed 0.01207; ESP Exome Variant Server 0.01539; ExAC 0.01199.
gnomAD v4.1: 28,438 of 1,614,078 alleles (1.8%); highest among the groups gnomAD compares: Non-Finnish European, 2.2%; 313 homozygotes.

Submissions 1 to 25 of 31:

CeGaT Center for Human Genetics Tuebingen
Classification: Benign. Last evaluated: 2026-09-01. Review status: criteria provided, single submitter. Criteria: CeGaT Center For Human Genetics Tuebingen Variant Classification Criteria Version 2. Collection method: clinical testing. Allele origin: germline. Affected: yes. Observed: 213 variant alleles.
Comment: MEN1: BS1, BS2

Labcorp Genetics (formerly Invitae), Labcorp
Classification: Benign for Multiple endocrine neoplasia, type 1. Last evaluated: 2026-02-04. Review status: criteria provided, single submitter. Criteria: Invitae Variant Classification Sherloc (09022015). Collection method: clinical testing. Allele origin: germline.

Mayo Clinic Laboratories, Mayo Clinic
Classification: Likely benign. Last evaluated: 2025-12-02. Review status: criteria provided, single submitter. Criteria: ACMG Guidelines, 2015. Collection method: clinical testing. Allele origin: germline. Observed: 23 variant alleles.
Comment: BS1, BP6

ARUP Laboratories, Molecular Genetics and Genomics, ARUP Laboratories
Classification: Benign. Last evaluated: 2025-07-31. Review status: criteria provided, single submitter. Criteria: ARUP Molecular Germline Variant Investigation Process 2024. Collection method: clinical testing. Allele origin: germline.

Center for Genomic Medicine, Rigshospitalet, Copenhagen University Hospital
Classification: Benign. Last evaluated: 2025-03-04. Review status: criteria provided, single submitter. Criteria: ACMG Guidelines, 2015. Collection method: clinical testing. Allele origin: germline.

Blueprint Genetics
Classification: Benign. Last evaluated: 2024-11-27. Review status: criteria provided, single submitter. Criteria: ACMG Guidelines, 2015. Collection method: clinical testing. Allele origin: germline.

Athena Diagnostics
Classification: Benign. Last evaluated: 2024-06-05. Review status: criteria provided, single submitter. Criteria: Athena Diagnostics Criteria. Collection method: clinical testing. Allele origin: unknown.

KCCC/NGS Laboratory, Kuwait Cancer Control Center
Classification: Benign for Multiple endocrine neoplasia, type 1. Last evaluated: 2023-07-07. Review status: criteria provided, single submitter. Criteria: ACMG Guidelines, 2015. Collection method: clinical testing. Allele origin: germline. Affected: yes.

Myriad Genetics, Inc.
Classification: Likely benign for Multiple endocrine neoplasia, type 1. Last evaluated: 2023-04-17. Review status: criteria provided, single submitter. Criteria: Myriad Autosomal Dominant, Autosomal Recessive and X-Linked Classification Criteria (2023). Collection method: clinical testing. Allele origin: unknown.
Comment: This variant is considered likely benign. This variant has been observed at a population frequency that is significantly greater than expected given the associated disease prevalence and penetrance.

Institute for Clinical Genetics, University Hospital TU Dresden, University Hospital TU Dresden
Classification: Likely benign. Last evaluated: 2021-11-03. Review status: criteria provided, single submitter. Criteria: ACMG Guidelines, 2015. Collection method: clinical testing. Allele origin: germline.

Department of Pathology and Laboratory Medicine, Sinai Health System
Classification: Benign for multiple endocrine neoplasia type 1. Last evaluated: 2021-10-06. Review status: criteria provided, single submitter. Criteria: ACMG Guidelines, 2015. Collection method: clinical testing. Allele origin: germline. Affected: yes.

Sema4
Classification: Benign for Hereditary cancer-predisposing syndrome. Last evaluated: 2020-02-24. Review status: criteria provided, single submitter. Criteria: Sema4 Curation Guidelines. Collection method: curation. Allele origin: germline.

Color Diagnostics, LLC DBA Color Health
Classification: Benign for Multiple endocrine neoplasia, type 1. Last evaluated: 2019-03-29. Review status: criteria provided, single submitter. Criteria: ACMG Guidelines, 2015. Collection method: clinical testing. Allele origin: germline.

Illumina Laboratory Services, Illumina
Classification: Benign for Multiple endocrine neoplasia, type 1. Last evaluated: 2018-03-06. Review status: criteria provided, single submitter. Criteria: ICSL Variant Classification Criteria 13 December 2019. Collection method: clinical testing. Allele origin: germline.
Comment: This variant was observed in the ICSL laboratory as part of a predisposition screen in an ostensibly healthy population. It had not been previously curated by ICSL or reported in the Human Gene Mutation Database (HGMD: prior to June 1st, 2018), and was therefore a candidate for classification through an automated scoring system. Utilizing variant allele frequency, disease prevalence and penetrance estimates, and inheritance mode, an automated score was calculated to assess if this variant is too frequent to cause the disease. Based on the score and internal cut-off values, a variant classified as benign is not then subjected to further curation. The score for this variant resulted in a classification of benign for this disease.

Illumina Laboratory Services, Illumina
Classification: Likely benign for Hyperparathyroidism. Last evaluated: 2018-03-06. Review status: criteria provided, single submitter. Criteria: ICSL Variant Classification Criteria 13 December 2019. Collection method: clinical testing. Allele origin: germline.
Comment: This variant was observed in the ICSL laboratory as part of a predisposition screen in an ostensibly healthy population. It had not been previously curated by ICSL or reported in the Human Gene Mutation Database (HGMD: prior to June 1st, 2018), and was therefore a candidate for classification through an automated scoring system. Utilizing variant allele frequency, disease prevalence and penetrance estimates, and inheritance mode, an automated score was calculated to assess if this variant is too frequent to cause the disease. Based on the score and internal cut-off values, a variant classified as likely benign is not then subjected to further curation. The score for this variant resulted in a classification of likely benign for this disease.

Center for Human Genetics, Inc
Classification: Uncertain significance for Multiple endocrine neoplasia, type 1. Last evaluated: 2016-11-01. Review status: criteria provided, single submitter. Criteria: ACMG Guidelines, 2015. Collection method: clinical testing. Allele origin: germline. Affected: yes.

Vantari Genetics
Classification: Benign for Hereditary cancer-predisposing syndrome. Last evaluated: 2016-02-04. Review status: criteria provided, single submitter. Criteria: ACMG Guidelines, 2015. Collection method: clinical testing. Allele origin: germline.

Ambry Genetics
Classification: Benign for Hereditary cancer-predisposing syndrome. Last evaluated: 2015-06-19. Review status: criteria provided, single submitter. Criteria: Ambry Variant Classification Scheme 2023. Collection method: clinical testing. Allele origin: germline.

Genomic Diagnostic Laboratory, Division of Genomic Diagnostics, Children's Hospital of Philadelphia
Classification: Benign for Multiple endocrine neoplasia. Last evaluated: 2015-05-05. Review status: criteria provided, single submitter. Criteria: DGD Variant Analysis Guidelines. Collection method: clinical testing. Allele origin: unknown.

CSER _CC_NCGL, University of Washington
Classification: Likely benign for Multiple endocrine neoplasia 1. Last evaluated: 2015-03-11. Review status: criteria provided, single submitter. Criteria: Amendola et al. (Genome Res. 2015). Collection method: research. Allele origin: germline. Inheritance: Autosomal dominant inheritance. Study: CSER - NEXT Medicine variant annotation.

GeneDx
Classification: Benign. Last evaluated: 2015-03-03. Review status: criteria provided, single submitter. Criteria: GeneDx Variant Classification Process June 2021. Collection method: clinical testing. Allele origin: germline. Affected: yes.
Comment: This variant is associated with the following publications: (PMID: 22995991, 20981092, 21521296, 22703879, 24997771, 21819486, 24728327, 18221402, 27153395, 30324798, 30869828)

Eurofins Ntd Llc (ga)
Classification: Benign. Last evaluated: 2014-08-20. Review status: criteria provided, single submitter. Criteria: EGL Classification Definitions 2015. Collection method: clinical testing. Allele origin: germline. Observed: 6 variant alleles, 6 heterozygotes.

PreventionGenetics, part of Exact Sciences
Classification: Benign. Review status: criteria provided, single submitter. Criteria: ACMG Guidelines, 2015. Collection method: clinical testing. Allele origin: germline.

Counsyl
Classification: Benign for Multiple endocrine neoplasia, type 1. Last evaluated: 2016-03-28. Review status: no assertion criteria provided. Collection method: clinical testing. Allele origin: unknown. Not counted in ClinVar's aggregate classification.

ITMI
No classification provided. Condition: AllHighlyPenetrant. Last evaluated: 2013-09-19. Review status: no classification provided. Collection method: reference population. Allele origin: germline. Not counted in ClinVar's aggregate classification.
Comment: Please see associated publication for description of ethnicities